The following is an entry in ClinVar:

ClinVar aggregate classification (germline): Likely pathogenic. Review status: criteria provided, single submitter (1 of 4 stars). 2 submissions from 2 submitters: Likely pathogenic (1). 1 of the submissions does not count toward it. Last evaluated 2023-05-20.

Conditions:
Junctional epidermolysis bullosa gravis of Herlitz. Also called: Herlitz-type junctional epidermolysis bullosa; EPIDERMOLYSIS BULLOSA, JUNCTIONAL 1B, SEVERE; Epidermolysis Bullosa Letalis; EPIDERMOLYSIS BULLOSA JUNCTIONALIS, HERLITZ TYPE; EPIDERMOLYSIS BULLOSA, JUNCTIONAL, HERLITZ-PEARSON TYPE; JEB-HERLITZ TYPE. Identifiers: Orphanet 79404, MedGen C0079683, MONDO:0009182, OMIM 226700.

Submissions (2):

Labcorp Genetics (formerly Invitae), Labcorp
Classification: Likely pathogenic. Last evaluated: 2023-05-20. Review status: criteria provided, single submitter. Criteria: Invitae Variant Classification Sherloc (09022015). Collection method: clinical testing. Allele origin: germline.
Comment: This variant has not been reported in the literature in individuals affected with LAMA3-related conditions. In summary, the currently available evidence indicates that the variant is pathogenic, but additional data are needed to prove that conclusively. Therefore, this variant has been classified as Likely Pathogenic. ClinVar contains an entry for this variant (Variation ID: 552205). Information on the frequency of this variant in the gnomAD database is not available, as this variant may be reported differently in the database. This sequence change affects a splice site in intron 5 of the LAMA3 gene. It is expected to disrupt RNA splicing. Variants that disrupt the donor or acceptor splice site typically lead to a loss of protein function (PMID: 16199547), and loss-of-function variants in LAMA3 are known to be pathogenic (PMID: 10366601, 11810295, 12915477, 16473856, 17362460, 22434185, 23869449, 27827380, 28087116).

Counsyl
Classification: Likely pathogenic for Junctional epidermolysis bullosa gravis of Herlitz. Last evaluated: 2017-05-30. Review status: no assertion criteria provided. Collection method: clinical testing. Allele origin: unknown. Not counted in ClinVar's aggregate classification.

Literature cited by the submitters: PubMed 16199547 (cited by Labcorp Genetics (formerly Invitae), Labcorp); PubMed 10366601 (cited by Labcorp Genetics (formerly Invitae), Labcorp); PubMed 11810295 (cited by Labcorp Genetics (formerly Invitae), Labcorp); PubMed 12915477 (cited by Labcorp Genetics (formerly Invitae), Labcorp); PubMed 16473856 (cited by Labcorp Genetics (formerly Invitae), Labcorp); PubMed 17362460 (cited by Labcorp Genetics (formerly Invitae), Labcorp); PubMed 22434185 (cited by Labcorp Genetics (formerly Invitae), Labcorp); PubMed 23869449 (cited by Labcorp Genetics (formerly Invitae), Labcorp); PubMed 27827380 (cited by Labcorp Genetics (formerly Invitae), Labcorp); PubMed 28087116 (cited by Labcorp Genetics (formerly Invitae), Labcorp).

NM_198129.4(LAMA3):c.5411-2_5411-1delinsGA

Gene: LAMA3 (laminin subunit alpha 3; plus strand). Cytogenetic location: 18q11.2.
Variant type: Indel.
Coding change: c.5411-2_5411-1delinsGA on transcript NM_198129.4 (MANE Select); the canonical splice acceptor site of the intron before coding-DNA position 5411, AG replaced by GA.
Molecular consequence: splice acceptor variant.
Genome position (GRCh38, 1-based): chr18:23,894,296-23,894,297, AG replaced by GA. VCF-style: chr18-23894296-AG-GA. GRCh37 (hg19) VCF-style: chr18-21474260-AG-GA.
Other names: c.5411-2_5411-1delinsGA (NM_001127717.4); c.584-2_584-1delinsGA (NM_000227.6, NM_001127718.4).
Identifiers: ClinVar variation 552205 (VCV000552205.8), dbSNP rs1555728297, ClinGen allele CA658824115.
Genomic context (GRCh38, chr18:23,894,296, plus strand): 5'-TAAAGAGCAGATGAAAAGTAAGTTTAATAACTATGTCTTCTTTGGTTATTTTCTGATTTT[AG>GA]ACTGCATAAACCAAGAACCCAAAGATAGCAGCCCTGCAGAAGAATGTGATGGTGAGAAAA-3'